The following is an entry in ClinVar:

NM_001347721.2(DYRK1A):c.574C>T (p.Gln192Ter)

Gene: DYRK1A (dual specificity tyrosine phosphorylation regulated kinase 1A; plus strand). Cytogenetic location: 21q22.13.
Variant type: single nucleotide variant.
Coding change: c.574C>T on transcript NM_001347721.2 (MANE Select); coding-DNA position 574, C replaced by T.
Protein change: p.Gln192Ter; replaces glutamine 192 with a stop codon.
Molecular consequence: nonsense.
Genome position (GRCh38, 1-based): chr21:37,486,551, C>T. VCF-style: chr21-37486551-C-T. GRCh37 (hg19) VCF-style: chr21-38858853-C-T.
Other names: c.574C>T, p.Gln192Ter (NM_001347722.2, NM_130436.2); c.487C>T, p.Gln163Ter (NM_001347723.2); c.601C>T, p.Gln201Ter (NM_001396.5, NM_101395.2, NM_130438.2); short protein forms Q201*, Q192*, Q163*.
Identifiers: ClinVar variation 432268 (VCV000432268.2), dbSNP rs1555982630, ClinGen allele CA409945876.

ClinVar aggregate classification (germline): Pathogenic (1 of 4 stars; one submission).

Submission:

GeneDx
Classification: Pathogenic. Last evaluated: 2017-05-08. Review status: criteria provided, single submitter. Criteria: GeneDx Variant Classification (06012015). Collection method: clinical testing. Allele origin: germline. Affected: yes.
Comment: The Q201X variant in the DYRK1A gene has not been reported previously as a pathogenic variant nor as a benign variant, to our knowledge. It is not observed in large population cohorts (Lek et al., 2016; 1000 Genomes Consortium et al., 2015; Exome Variant Server). The Q201X variant is predicted to cause loss of normal protein function either through protein truncation or nonsense-mediated mRNA decay. Multiple other nonsense variants downstream of this position have been reported in the Human Gene Mutation Database in association with DYRK1A-related disorders (Stenson et al., 2014).